The following is an entry in ClinVar:

NC_000012.12:g.40489375A>G

Gene: MUC19 (mucin 19, oligomeric (gene/pseudogene); plus strand). Cytogenetic location: 12q12.
Variant type: single nucleotide variant.
Genome position: GRCh38 VCF-style: chr12-40489375-A-G. GRCh37 (hg19) VCF-style: chr12-40883177-A-G.
Identifiers: ClinVar variation 2642875 (VCV002642875.24), dbSNP rs1191575185, ClinGen allele CA688783124.
Genomic context (GRCh38, chr12:40,489,375, plus strand): 5'-ATCAGCTGGAGTGATGGAGACAACTGGACCATCAGCTGAAGTGACAGGGACAACTGGATC[A>G]TCAGCTGGGGTGACAGGCACAACTGGACCATCAGCTGGAGTGACAGGGACAACTGGCCCA-3'

ClinVar aggregate classification (germline): Likely benign (1 of 4 stars; one submission).

Submission:

CeGaT Center for Human Genetics Tuebingen
Classification: Likely benign. Last evaluated: 2025-10-01. Review status: criteria provided, single submitter. Criteria: CeGaT Center For Human Genetics Tuebingen Variant Classification Criteria Version 2. Collection method: clinical testing. Allele origin: germline. Affected: yes. Observed: 3 variant alleles.
Comment: MUC19: BP4, BP7